The following is an entry in ClinVar:

NM_000038.6(APC):c.3434A>G (p.Glu1145Gly)

Gene: APC (APC regulator of Wnt signaling pathway; plus strand). Cytogenetic location: 5q22.2.
Variant type: single nucleotide variant.
Coding change: c.3434A>G on transcript NM_000038.6 (MANE Select); coding-DNA position 3434, A replaced by G.
Protein change: p.Glu1145Gly; replaces glutamic acid 1145 with glycine.
Molecular consequence: missense variant.
Genome position (GRCh38, 1-based): chr5:112,839,028, A>G. VCF-style: chr5-112839028-A-G. GRCh37 (hg19) VCF-style: chr5-112174725-A-G.
Other names: c.3434A>G, p.Glu1145Gly (NM_001127510.3, NM_001354895.2); c.3380A>G, p.Glu1127Gly (NM_001127511.3); c.3488A>G, p.Glu1163Gly (NM_001354896.2); c.3464A>G, p.Glu1155Gly (NM_001354897.2); c.3359A>G, p.Glu1120Gly (NM_001354898.2); c.3350A>G, p.Glu1117Gly (NM_001354899.2); c.3311A>G, p.Glu1104Gly (NM_001354900.2); c.3257A>G, p.Glu1086Gly (NM_001354901.2); and 5 more; short protein forms E1019G, E1155G, E1044G, E1086G, E1117G, E1127G, E1145G, E1104G.
Identifiers: ClinVar variation 1444555 (VCV001444555.8), dbSNP rs2149891842, ClinGen allele CA16028862.
Genomic context (GRCh38, chr5:112,839,028, plus strand): 5'-TAAGCCAGTCTTTGTGTCAAGAAGATGACTATGAAGATGATAAGCCTACCAATTATAGTG[A>G]ACGTTACTCTGAAGAAGAACAGCATGAAGAAGAAGAGAGACCAACAAATTATAGCATAAA-3'
Protein context (NP_000029.2, residues 1135-1155): YEDDKPTNYS[Glu1145Gly]RYSEEEQHEE

ClinVar aggregate classification (germline): Uncertain significance (1 of 4 stars; one submission).

Conditions:
Familial adenomatous polyposis 1 (FAP1). Also called: FAMILIAL ADENOMATOUS POLYPOSIS 1, ATTENUATED; POLYPOSIS, ADENOMATOUS INTESTINAL. Identifiers: MedGen C2713442, MONDO:0021056, OMIM 175100. Disease mechanism: loss of function.

Submission:

Labcorp Genetics (formerly Invitae), Labcorp
Classification: Uncertain significance for Familial adenomatous polyposis 1. Last evaluated: 2021-07-16. Review status: criteria provided, single submitter. Criteria: Invitae Variant Classification Sherloc (09022015). Collection method: clinical testing. Allele origin: germline.
Comment: This sequence change replaces glutamic acid with glycine at codon 1145 of the APC protein (p.Glu1145Gly). The glutamic acid residue is highly conserved and there is a moderate physicochemical difference between glutamic acid and glycine. This variant is not present in population databases (ExAC no frequency). This variant has not been reported in the literature in individuals affected with APC-related conditions. Algorithms developed to predict the effect of missense changes on protein structure and function are either unavailable or do not agree on the potential impact of this missense change (SIFT: "Deleterious"; PolyPhen-2: "Possibly Damaging"; Align-GVGD: "Class C0"). In summary, the available evidence is currently insufficient to determine the role of this variant in disease. Therefore, it has been classified as a Variant of Uncertain Significance.